The following is an entry in ClinVar:

ClinVar aggregate classification (germline): Uncertain significance. Review status: criteria provided, multiple submitters, no conflicts (2 of 4 stars). 2 submissions from 2 submitters: Uncertain significance (2). Last evaluated 2025-03-17.

Allele frequency attached by ClinVar (database versions not stated): TOPMed below 0.00001; ExAC 0.00001; gnomAD exomes 0.00001.
gnomAD v4.1: 14 of 1,613,646 alleles (0.00087%); highest among the groups gnomAD compares: Non-Finnish European, 0.0012%; no homozygotes.

Submissions (2):

Labcorp Genetics (formerly Invitae), Labcorp
Classification: Uncertain significance. Last evaluated: 2025-03-17. Review status: criteria provided, single submitter. Criteria: Invitae Variant Classification Sherloc (09022015). Collection method: clinical testing. Allele origin: germline.
Comment: This sequence change replaces glutamic acid, which is acidic and polar, with aspartic acid, which is acidic and polar, at codon 215 of the RDH11 protein (p.Glu215Asp). This variant is present in population databases (rs149358309, gnomAD 0.0009%). This variant has not been reported in the literature in individuals affected with RDH11-related conditions. ClinVar contains an entry for this variant (Variation ID: 1044863). An algorithm developed to predict the effect of missense changes on protein structure and function (PolyPhen-2) suggests that this variant is likely to be disruptive. In summary, the available evidence is currently insufficient to determine the role of this variant in disease. Therefore, it has been classified as a Variant of Uncertain Significance.

Ambry Genetics
Classification: Uncertain significance. Last evaluated: 2023-04-20. Review status: criteria provided, single submitter. Criteria: Ambry Variant Classification Scheme 2023. Collection method: clinical testing. Allele origin: germline.

NM_016026.4(RDH11):c.645A>T (p.Glu215Asp)

Genes: GPHN (gephyrin; plus strand), RDH11 (retinol dehydrogenase 11; minus strand). Cytogenetic location: 14q24.1.
Variant type: single nucleotide variant.
Coding change: c.645A>T on transcript NM_016026.4 (MANE Select); coding-DNA position 645, A replaced by T.
Protein change: p.Glu215Asp; replaces glutamic acid 215 with aspartic acid.
Molecular consequence: missense variant. On other transcripts: intron variant (1).
Genome position (GRCh38, 1-based): chr14:67,690,231, T>A on the plus strand (A>T on the coding strand, the complement: RDH11 is on the minus strand). VCF-style: chr14-67690231-T-A. GRCh37 (hg19) VCF-style: chr14-68156948-T-A.
Other names: c.645A>T (NM_016026.3); c.454+909A>T (NM_001252650.2); short protein forms E215D.
Identifiers: ClinVar variation 1044863 (VCV001044863.12), dbSNP rs149358309, ClinGen allele CA7238344.
Genomic context (GRCh38, chr14:67,690,231, plus strand): 5'-TCTCTGACTCATGTCTCCACATTCATTTCCTCTAGGCCCACCTTTTAGTCTCCGGGCCAG[T>A]TCCTGGGTGAAGAGGATGTTGGCTAGCTTGCTGTGACAGTAGGCCAGGCCTGCATTGTAG-3'
Protein context (NP_057110.3, residues 205-225): SKLANILFTQ[Glu215Asp]LARRLKGSGV